The following is an entry in ClinVar:

ClinVar aggregate classification (germline): Uncertain significance. Review status: criteria provided, multiple submitters, no conflicts (2 of 4 stars). 2 submissions from 2 submitters: Uncertain significance (2). Last evaluated 2025-12-18.

Conditions:
Nephronophthisis. Also called: Juvenile Nephronophthisis. Identifiers: Orphanet 655, MedGen C0687120, MONDO:0019005, HP:0000090.

Allele frequency attached by ClinVar (database versions not stated): TOPMed below 0.00001; gnomAD 0.00002; gnomAD exomes 0.00002; ExAC 0.00003.
gnomAD v4.1: 27 of 1,613,458 alleles (0.0017%); highest among the groups gnomAD compares: Middle Eastern, 0.049%; no homozygotes.

Submissions (2):

Labcorp Genetics (formerly Invitae), Labcorp
Classification: Uncertain significance for Nephronophthisis. Last evaluated: 2025-12-18. Review status: criteria provided, single submitter. Criteria: Invitae Variant Classification Sherloc (09022015). Collection method: clinical testing. Allele origin: germline.
Comment: This sequence change replaces proline, which is neutral and non-polar, with alanine, which is neutral and non-polar, at codon 616 of the NPHP4 protein (p.Pro616Ala). This variant is present in population databases (rs758289978, gnomAD 0.01%). This variant has not been reported in the literature in individuals affected with NPHP4-related conditions. ClinVar contains an entry for this variant (Variation ID: 2147895). Invitae Evidence Modeling of protein sequence and biophysical properties (such as structural, functional, and spatial information, amino acid conservation, physicochemical variation, residue mobility, and thermodynamic stability) has been performed for this missense variant. However, the output from this modeling did not meet the statistical confidence thresholds required to predict the impact of this variant on NPHP4 protein function. In summary, the available evidence is currently insufficient to determine the role of this variant in disease. Therefore, it has been classified as a Variant of Uncertain Significance.

Blueprint Genetics
Classification: Uncertain significance. Last evaluated: 2023-01-25. Review status: criteria provided, single submitter. Criteria: ACMG Guidelines, 2015. Collection method: clinical testing. Allele origin: germline.

NM_015102.5(NPHP4):c.1846C>G (p.Pro616Ala)

Gene: NPHP4 (nephrocystin 4; minus strand). Cytogenetic location: 1p36.31.
Variant type: single nucleotide variant.
Coding change: c.1846C>G on transcript NM_015102.5 (MANE Select); coding-DNA position 1846, C replaced by G.
Protein change: p.Pro616Ala; replaces proline 616 with alanine.
Molecular consequence: missense variant. On other transcripts: non-coding transcript variant (1).
Genome position (GRCh38, 1-based): chr1:5,905,401, G>C on the plus strand (C>G on the coding strand, the complement: NPHP4 is on the minus strand). VCF-style: chr1-5905401-G-C. GRCh37 (hg19) VCF-style: chr1-5965461-G-C.
Other names: c.307C>G, p.Pro103Ala (NM_001291593.2); c.310C>G, p.Pro104Ala (NM_001291594.2); short protein forms P104A, P103A, P616A.
Identifiers: ClinVar variation 2147895 (VCV002147895.3), dbSNP rs758289978, ClinGen allele CA554349.
Genomic context (GRCh38, chr1:5,905,401, plus strand): 5'-CTGATTCTTCCTTCTGAGGGTTAAACGTCACAGGTTCTGTAGCGCTGACAGCCTCGGCTG[G>C]CTGTTTATTGGCATCCAGAATCTCGGGAAAGCCGGAGGACTGCAGGAGCACCATGGAGGC-3'
Protein context (NP_055917.1, residues 606-626): FPEILDANKQ[Pro616Ala]AEAVSATEPV